The following is an entry in ClinVar:

ClinVar aggregate classification (germline): Pathogenic/Likely pathogenic. Review status: criteria provided, multiple submitters, no conflicts (2 of 4 stars). 4 submissions from 4 submitters: Pathogenic (1); Likely pathogenic (2). 1 of the submissions does not count toward it. Last evaluated 2023-09-13.

Conditions:
ABCB11-related disorder. Also called: ABCB11-related condition.
Benign recurrent intrahepatic cholestasis type 2 (BRIC2). Also called: Recurrent familial intrahepatic cholestasis 2. Identifiers: Orphanet 65682, Orphanet 99961, MedGen C2608083, MONDO:0011559, OMIM 605479.

Submissions (4):

Baylor Genetics
Classification: Likely pathogenic for Benign recurrent intrahepatic cholestasis type 2. Last evaluated: 2023-09-13. Review status: criteria provided, single submitter. Criteria: ACMG Guidelines, 2015. Collection method: clinical testing. Allele origin: unknown.

Labcorp Genetics (formerly Invitae), Labcorp
Classification: Likely pathogenic. Last evaluated: 2022-12-31. Review status: criteria provided, single submitter. Criteria: Invitae Variant Classification Sherloc (09022015). Collection method: clinical testing. Allele origin: germline.
Comment: In summary, the currently available evidence indicates that the variant is pathogenic, but additional data are needed to prove that conclusively. Therefore, this variant has been classified as Likely Pathogenic. Algorithms developed to predict the effect of sequence changes on RNA splicing suggest that this variant may disrupt the consensus splice site. ClinVar contains an entry for this variant (Variation ID: 594334). Disruption of this splice site has been observed in individual(s) with cholestasis (PMID: 18395098). This variant is not present in population databases (gnomAD no frequency). This sequence change affects an acceptor splice site in intron 5 of the ABCB11 gene. It is expected to disrupt RNA splicing. Variants that disrupt the donor or acceptor splice site typically lead to a loss of protein function (PMID: 16199547), and loss-of-function variants in ABCB11 are known to be pathogenic (PMID: 18395098, 20232290).

Eurofins Ntd Llc (ga)
Classification: Pathogenic. Last evaluated: 2017-10-05. Review status: criteria provided, single submitter. Criteria: EGL Classification Definitions 2015. Collection method: clinical testing. Allele origin: germline. Observed: 1 variant allele, 1 heterozygote.

PreventionGenetics, part of Exact Sciences
Classification: Likely pathogenic for ABCB11-related condition. Last evaluated: 2024-01-03. Review status: no assertion criteria provided. Collection method: clinical testing. Allele origin: germline. Not counted in ClinVar's aggregate classification.
Comment: The ABCB11 c.390-1G>T variant is predicted to disrupt the AG splice acceptor site and interfere with normal splicing. To our knowledge, this variant has not been reported in the literature or in a large population database, indicating this variant is rare. A different nucleotide substitution at this position (c.390-1G>A) was previously reported in the homozygous state in one individual with intrahepatic cholestasis (Strautnieks et al. 2008. PubMed ID: 18395098). Variants that disrupt the consensus splice acceptor site in ABCB11 are expected to be pathogenic. The c.390-1G>T variant is interpreted as likely pathogenic.

Literature cited by the submitters: PubMed 18395098 (cited by Labcorp Genetics (formerly Invitae), Labcorp); PubMed 16199547 (cited by Labcorp Genetics (formerly Invitae), Labcorp); PubMed 20232290 (cited by Labcorp Genetics (formerly Invitae), Labcorp).

NM_003742.4(ABCB11):c.390-1G>T

Gene: ABCB11 (ATP binding cassette subfamily B member 11; minus strand). Cytogenetic location: 2q31.1.
Variant type: single nucleotide variant.
Coding change: c.390-1G>T on transcript NM_003742.4 (MANE Select); the canonical splice acceptor site of the intron before coding-DNA position 390, G replaced by T.
Molecular consequence: splice acceptor variant.
Genome position (GRCh38, 1-based): chr2:168,996,723, C>A on the plus strand (G>T on the coding strand, the complement: ABCB11 is on the minus strand). VCF-style: chr2-168996723-C-A. GRCh37 (hg19) VCF-style: chr2-169853233-C-A.
Other names: c.390-1G>T (NM_003742.2).
Identifiers: ClinVar variation 594334 (VCV000594334.11), dbSNP rs1558917090, ClinGen allele CA349132952.